The following is an entry in ClinVar:

NM_001048174.2(MUTYH):c.1327C>T (p.Pro443Ser)

Gene: MUTYH (mutY DNA glycosylase; minus strand). Cytogenetic location: 1p34.1.
Variant type: single nucleotide variant.
Coding change: c.1327C>T on transcript NM_001048174.2 (MANE Select); coding-DNA position 1327, C replaced by T.
Protein change: p.Pro443Ser; replaces proline 443 with serine.
Molecular consequence: missense variant. On other transcripts: non-coding transcript variant (7).
Genome position (GRCh38, 1-based): chr1:45,331,247, G>A on the plus strand (C>T on the coding strand, the complement: MUTYH is on the minus strand). VCF-style: chr1-45331247-G-A. GRCh37 (hg19) VCF-style: chr1-45796919-G-A.
Other names: c.1327C>T, p.Pro443Ser (NM_001048171.2, NM_001048173.2, NM_001407070.1 and 6 more transcripts); c.1330C>T, p.Pro444Ser (NM_001048172.2, NM_001407071.1, NM_001407078.1 and 1 more transcripts); c.1243C>T, p.Pro415Ser (NM_001407075.1); c.1360C>T, p.Pro454Ser (NM_001407077.1, NM_001293191.2, NM_001407069.1); c.1288C>T, p.Pro430Ser (NM_001407079.1); c.1285C>T, p.Pro429Ser (NM_001407080.1); c.1411C>T, p.Pro471Ser (NM_001128425.2); c.1372C>T, p.Pro458Ser (NM_001293190.2); and 5 more; short protein forms P351S, P328S, P415S, P430S, P444S, P450S, P454S, P458S.
Identifiers: ClinVar variation 4113228 (VCV004113228.1).
Genomic context (GRCh38, chr1:45,331,247, plus strand): 5'-TCATGGCGGTGGAAACAGCTGCGGTGTGAAATTCCTCCTGCGTCAGCCAGCGAGCACCTG[G>A]TGGTACGGTGGTCACTGGGGTCTGCCCTTCCAAGGCCAGCCCATATACTTGATATGTCAG-3'
Protein context (NP_001041639.1, residues 433-453): EGQTPVTTVP[Pro443Ser]GARWLTQEEF

ClinVar aggregate classification (germline): Uncertain significance (1 of 4 stars; one submission).

Conditions:
Hereditary cancer-predisposing syndrome. Also called: Tumor predisposition; Neoplastic Syndromes, Hereditary; Hereditary neoplastic syndrome; Hereditary Cancer Syndrome. Identifiers: Orphanet 140162, MedGen C0027672, MeSH D009386, MONDO:0015356.

Submission:

Ambry Genetics
Classification: Uncertain significance for Hereditary cancer-predisposing syndrome. Last evaluated: 2025-08-27. Review status: criteria provided, single submitter. Criteria: Ambry Variant Classification Scheme 2023. Collection method: clinical testing. Allele origin: germline.
Comment: The p.P471S variant (also known as c.1411C>T), located in coding exon 14 of the MUTYH gene, results from a C to T substitution at nucleotide position 1411. The proline at codon 471 is replaced by serine, an amino acid with similar properties. This amino acid position is conserved. In addition, this alteration is predicted to be tolerated by in silico analysis. Based on the available evidence, the clinical significance of this variant remains unclear.